The following is an entry in ClinVar:

ClinVar aggregate classification (germline): Uncertain significance (1 of 4 stars; one submission).

Submission:

Labcorp Genetics (formerly Invitae), Labcorp
Classification: Uncertain significance. Last evaluated: 2023-04-24. Review status: criteria provided, single submitter. Criteria: Invitae Variant Classification Sherloc (09022015). Collection method: clinical testing. Allele origin: germline.
Comment: This variant has not been reported in the literature in individuals affected with MSH3-related conditions. An algorithm developed to predict the effect of missense changes on protein structure and function (PolyPhen-2) suggests that this variant is likely to be tolerated. In summary, the available evidence is currently insufficient to determine the role of this variant in disease. Therefore, it has been classified as a Variant of Uncertain Significance. This variant is not present in population databases (gnomAD no frequency). This sequence change replaces alanine, which is neutral and non-polar, with valine, which is neutral and non-polar, at codon 353 of the MSH3 protein (p.Ala353Val).

NM_002439.5(MSH3):c.1058C>T (p.Ala353Val)

Gene: MSH3 (mutS homolog 3; plus strand). Cytogenetic location: 5q14.1.
Variant type: single nucleotide variant.
Coding change: c.1058C>T on transcript NM_002439.5 (MANE Select); coding-DNA position 1058, C replaced by T.
Protein change: p.Ala353Val; replaces alanine 353 with valine.
Molecular consequence: missense variant.
Genome position (GRCh38, 1-based): chr5:80,675,013, C>T. VCF-style: chr5-80675013-C-T. GRCh37 (hg19) VCF-style: chr5-79970832-C-T.
Other names: short protein forms A353V.
Identifiers: ClinVar variation 2858835 (VCV002858835.3), dbSNP rs2112815954, ClinGen allele CA360267929.